The following is an entry in ClinVar:

NM_001378418.1(TCF20):c.5530G>A (p.Glu1844Lys)

Gene: TCF20 (transcription factor 20; minus strand). Cytogenetic location: 22q13.2.
Variant type: single nucleotide variant.
Coding change: c.5530G>A on transcript NM_001378418.1 (MANE Select); coding-DNA position 5530, G replaced by A.
Protein change: p.Glu1844Lys; replaces glutamic acid 1844 with lysine.
Molecular consequence: missense variant.
Genome position (GRCh38, 1-based): chr22:42,209,776, C>T on the plus strand (G>A on the coding strand, the complement: TCF20 is on the minus strand). VCF-style: chr22-42209776-C-T. GRCh37 (hg19) VCF-style: chr22-42605782-C-T.
Other names: c.5530G>A, p.Glu1844Lys (NM_005650.4, NM_181492.3); short protein forms E1844K.
Identifiers: ClinVar variation 4799342 (VCV004799342.1).

ClinVar aggregate classification (germline): Uncertain significance (1 of 4 stars; one submission).

Submission:

Labcorp Genetics (formerly Invitae), Labcorp
Classification: Uncertain significance. Last evaluated: 2026-01-11. Review status: criteria provided, single submitter. Criteria: Invitae Variant Classification Sherloc (09022015). Collection method: clinical testing. Allele origin: germline.
Comment: This sequence change replaces glutamic acid, which is acidic and polar, with lysine, which is basic and polar, at codon 1844 of the TCF20 protein (p.Glu1844Lys). This variant is not present in population databases (gnomAD no frequency). This variant has not been reported in the literature in individuals affected with TCF20-related conditions. An algorithm developed to predict the effect of missense changes on protein structure and function (PolyPhen-2) suggests that this variant is likely to be tolerated. In summary, the available evidence is currently insufficient to determine the role of this variant in disease. Therefore, it has been classified as a Variant of Uncertain Significance.